The following is an entry in ClinVar:

ClinVar aggregate classification (germline): Pathogenic. Review status: criteria provided, single submitter (1 of 4 stars). 2 submissions from 2 submitters: Pathogenic (1). 1 of the submissions does not count toward it. Last evaluated 2023-03-30.

Conditions:
Familial cancer of breast. Also called: hereditary breast carcinoma; BREAST CANCER, FAMILIAL; Hereditary breast cancer. Identifiers: Orphanet 227535, MedGen C0346153, MONDO:0016419, OMIM 114480. Disease mechanism: loss of function.

Submissions (2):

Myriad Genetics, Inc.
Classification: Pathogenic for Familial cancer of breast. Last evaluated: 2023-03-30. Review status: criteria provided, single submitter. Criteria: Myriad Autosomal Dominant, Autosomal Recessive and X-Linked Classification Criteria (2023). Collection method: clinical testing. Allele origin: unknown.
Comment: This variant is considered pathogenic. This variant creates a termination codon and is predicted to result in premature protein truncation.

Counsyl
Classification: Likely pathogenic for Familial cancer of breast. Last evaluated: 2017-02-14. Review status: no assertion criteria provided. Collection method: clinical testing. Allele origin: unknown. Not counted in ClinVar's aggregate classification.

NM_024675.4(PALB2):c.866T>A (p.Leu289Ter)

Gene: PALB2 (partner and localizer of BRCA2; minus strand). Cytogenetic location: 16p12.2.
Variant type: single nucleotide variant.
Coding change: c.866T>A on transcript NM_024675.4 (MANE Select); coding-DNA position 866, T replaced by A.
Protein change: p.Leu289Ter; replaces leucine 289 with a stop codon.
Molecular consequence: nonsense.
Genome position (GRCh38, 1-based): chr16:23,635,680, A>T on the plus strand (T>A on the coding strand, the complement: PALB2 is on the minus strand). VCF-style: chr16-23635680-A-T. GRCh37 (hg19) VCF-style: chr16-23647001-A-T.
Other names: short protein forms L289*.
Identifiers: ClinVar variation 487421 (VCV000487421.5), dbSNP rs1555461574, ClinGen allele CA395135804.